The following is an entry in ClinVar:

ClinVar aggregate classification (germline): Uncertain significance (1 of 4 stars; one submission).

Conditions:
Hyper-IgM syndrome type 5 (HIGM5). Also called: Hyper-IgM Immunodeficiency Syndrome, Type 5. Identifiers: Orphanet 101092, MedGen C1720958, MONDO:0011971, OMIM 608106.

Submission:

Labcorp Genetics (formerly Invitae), Labcorp
Classification: Uncertain significance for Hyper-IgM syndrome type 5. Last evaluated: 2021-12-20. Review status: criteria provided, single submitter. Criteria: Invitae Variant Classification Sherloc (09022015). Collection method: clinical testing. Allele origin: germline.
Comment: This variant has not been reported in the literature in individuals affected with UNG-related conditions. This variant is not present in population databases (gnomAD no frequency). This sequence change replaces proline, which is neutral and non-polar, with threonine, which is neutral and polar, at codon 130 of the UNG protein (p.Pro130Thr). Algorithms developed to predict the effect of missense changes on protein structure and function (SIFT, PolyPhen-2, Align-GVGD) all suggest that this variant is likely to be disruptive. In summary, the available evidence is currently insufficient to determine the role of this variant in disease. Therefore, it has been classified as a Variant of Uncertain Significance.

NM_080911.3(UNG):c.388C>A (p.Pro130Thr)

Gene: UNG (uracil DNA glycosylase; plus strand). Cytogenetic location: 12q24.11.
Variant type: single nucleotide variant.
Coding change: c.388C>A on transcript NM_080911.3 (MANE Select); coding-DNA position 388, C replaced by A.
Protein change: p.Pro130Thr; replaces proline 130 with threonine.
Molecular consequence: missense variant.
Genome position (GRCh38, 1-based): chr12:109,099,237, C>A. VCF-style: chr12-109099237-C-A. GRCh37 (hg19) VCF-style: chr12-109537042-C-A.
Other names: c.361C>A, p.Pro121Thr (NM_003362.4); short protein forms P130T, P121T.
Identifiers: ClinVar variation 2050702 (VCV002050702.4), dbSNP rs774959386, ClinGen allele CA386470439.